The following is an entry in ClinVar:

NM_002693.3(POLG):c.2553T>A (p.Thr851=)

Gene: POLG (DNA polymerase gamma, catalytic subunit; minus strand). Cytogenetic location: 15q26.1.
Variant type: single nucleotide variant.
Coding change: c.2553T>A on transcript NM_002693.3 (MANE Select); coding-DNA position 2553, T replaced by A.
Protein change: p.Thr851=; no amino-acid change (threonine 851 retained).
Molecular consequence: synonymous variant.
Genome position (GRCh38, 1-based): chr15:89,321,781, A>T on the plus strand (T>A on the coding strand, the complement: POLG is on the minus strand). VCF-style: chr15-89321781-A-T. GRCh37 (hg19) VCF-style: chr15-89865012-A-T.
Other names: c.2553T>A, p.Thr851= (NM_001126131.2).
Identifiers: ClinVar variation 2645689 (VCV002645689.24), dbSNP rs2509222245, ClinGen allele CA492074542.
Genomic context (GRCh38, chr15:89,321,781, plus strand): 5'-ACAGAGGTCACATACCCGGGCATTGCTGGCGGTGAGCCATGTGGGCTCCACAGCCCGGCG[A>T]GTGATGGTGCCGGCAGTCACCACTTGGGGCAGGATGGCCCCATAGAGGCCTTCCTCATCA-3'
Protein context (NP_002684.1, residues 841-861): LPQVVTAGTI[Thr851=]RRAVEPTWLT

ClinVar aggregate classification (germline): Likely benign (1 of 4 stars; one submission).

Submission:

CeGaT Center for Human Genetics Tuebingen
Classification: Likely benign. Last evaluated: 2023-02-01. Review status: criteria provided, single submitter. Criteria: CeGaT Center For Human Genetics Tuebingen Variant Classification Criteria Version 2. Collection method: clinical testing. Allele origin: germline. Affected: yes. Observed: 1 variant allele.
Comment: POLG: PM2:Supporting, BP4, BP7